The following is an entry in ClinVar:

ClinVar aggregate classification (germline): Pathogenic (1 of 4 stars; one submission).

Conditions:
RAI1-related disorder. Also called: RAI1-related condition.

Submission:

PreventionGenetics, part of Exact Sciences
Classification: Pathogenic for RAI1-related condition. Last evaluated: 2026-06-30. Review status: criteria provided, single submitter. Criteria: ACMG Guidelines, 2015. Collection method: clinical testing. Allele origin: germline.
Comment: The RAI1 c.1826_1827delinsAA variant is predicted to result in premature protein termination (p.Ser609*). To our knowledge, this variant has not been reported in the literature or in a large population database (gnomAD), indicating this variant is rare. Nonsense variants in RAI1 are expected to be pathogenic and there are several nonsense variants downstream that have been interpreted as pathogenic. This variant is interpreted as pathogenic.

NM_030665.4(RAI1):c.1826_1827delinsAA (p.Ser609Ter)

Gene: RAI1 (retinoic acid induced 1; plus strand). Cytogenetic location: 17p11.2.
Variant type: Indel.
Coding change: c.1826_1827delinsAA on transcript NM_030665.4 (MANE Select); coding-DNA positions 1826 to 1827, CC replaced by AA.
Protein change: p.Ser609Ter; replaces serine 609 with a stop codon.
Molecular consequence: nonsense.
Genome position (GRCh38, 1-based): chr17:17,794,774-17,794,775, CC replaced by AA. VCF-style: chr17-17794774-CC-AA. GRCh37 (hg19) VCF-style: chr17-17698088-CC-AA.
Other names: short protein forms S609*.
Identifiers: ClinVar variation 4993578 (VCV004993578.1).